The following is an entry in ClinVar:

ClinVar aggregate classification (germline): Likely benign. Review status: criteria provided, single submitter (1 of 4 stars). 2 submissions from 2 submitters: Likely benign (1). 1 of the submissions does not count toward it. Last evaluated 2025-08-03.

Conditions:
ALG12-related disorder. Also called: ALG12-related condition.
ALG12-congenital disorder of glycosylation (CDG1G). Also called: Congenital disorder of glycosylation, type Ig; ALG12-CDG; CDG Ig. Identifiers: Orphanet 79324, MedGen C2931001, MONDO:0011783, OMIM 607143.

gnomAD v4.1: 33 of 1,613,962 alleles (0.002%); highest among the groups gnomAD compares: Admixed American, 0.0033%; no homozygotes.

Submissions (2):

Labcorp Genetics (formerly Invitae), Labcorp
Classification: Likely benign for ALG12-congenital disorder of glycosylation. Last evaluated: 2025-08-03. Review status: criteria provided, single submitter. Criteria: Invitae Variant Classification Sherloc (09022015). Collection method: clinical testing. Allele origin: germline.

PreventionGenetics, part of Exact Sciences
Classification: Likely benign for ALG12-related condition. Last evaluated: 2024-09-19. Review status: no assertion criteria provided. Collection method: clinical testing. Allele origin: germline. Not counted in ClinVar's aggregate classification.
Comment: This variant is classified as likely benign based on ACMG/AMP sequence variant interpretation guidelines (Richards et al. 2015 PMID: 25741868, with internal and published modifications).

NM_024105.4(ALG12):c.1083G>A (p.Thr361=)

Gene: ALG12 (ALG12 alpha-1,6-mannosyltransferase; minus strand). Cytogenetic location: 22q13.33.
Variant type: single nucleotide variant.
Coding change: c.1083G>A on transcript NM_024105.4 (MANE Select); coding-DNA position 1083, G replaced by A.
Protein change: p.Thr361=; no amino-acid change (threonine 361 retained).
Molecular consequence: synonymous variant.
Genome position (GRCh38, 1-based): chr22:49,904,416, C>T on the plus strand (G>A on the coding strand, the complement: ALG12 is on the minus strand). VCF-style: chr22-49904416-C-T. GRCh37 (hg19) VCF-style: chr22-50298064-C-T.
Identifiers: ClinVar variation 2427897 (VCV002427897.8), dbSNP rs376700607, ClinGen allele CA10300348.